The following is an entry in ClinVar:

ClinVar aggregate classification (germline): Uncertain significance. Review status: criteria provided, multiple submitters, no conflicts (2 of 4 stars). 2 submissions from 2 submitters: Uncertain significance (2). Last evaluated 2025-10-07.

Conditions:
Inborn genetic diseases. Identifiers: MedGen C0950123, MeSH D030342.
Multiple gastrointestinal atresias. Also called: Multiple intestinal atresia; FAMILIAL INTESTINAL POLYATRESIA SYNDROME. Identifiers: Orphanet 2300, MedGen C0220744, MONDO:0009465.

Allele frequency attached by ClinVar (database versions not stated): gnomAD exomes below 0.00001; gnomAD 0.00001; TOPMed 0.00002.
gnomAD v4.1: 4 of 1,614,042 alleles (0.00025%); highest among the groups gnomAD compares: Non-Finnish European, 0.00025%; no homozygotes.

Submissions (2):

Ambry Genetics
Classification: Uncertain significance for Inborn genetic diseases. Last evaluated: 2025-10-07. Review status: criteria provided, single submitter. Criteria: Ambry Variant Classification Scheme 2023. Collection method: clinical testing. Allele origin: germline.

Labcorp Genetics (formerly Invitae), Labcorp
Classification: Uncertain significance for Multiple gastrointestinal atresias. Last evaluated: 2024-12-31. Review status: criteria provided, single submitter. Criteria: Invitae Variant Classification Sherloc (09022015). Collection method: clinical testing. Allele origin: germline.
Comment: This sequence change replaces leucine, which is neutral and non-polar, with proline, which is neutral and non-polar, at codon 92 of the TTC7A protein (p.Leu92Pro). This variant is not present in population databases (gnomAD no frequency). This variant has not been reported in the literature in individuals affected with TTC7A-related conditions. ClinVar contains an entry for this variant (Variation ID: 1395472). An algorithm developed to predict the effect of missense changes on protein structure and function outputs the following: PolyPhen-2: "Benign". The proline amino acid residue is found in multiple mammalian species, which suggests that this missense change does not adversely affect protein function. In summary, the available evidence is currently insufficient to determine the role of this variant in disease. Therefore, it has been classified as a Variant of Uncertain Significance.

NM_020458.4(TTC7A):c.275T>C (p.Leu92Pro)

Gene: TTC7A (tetratricopeptide repeat domain 7A; plus strand). Cytogenetic location: 2p21.
Variant type: single nucleotide variant.
Coding change: c.275T>C on transcript NM_020458.4 (MANE Select); coding-DNA position 275, T replaced by C.
Protein change: p.Leu92Pro; replaces leucine 92 with proline.
Molecular consequence: missense variant. On other transcripts: 5 prime UTR variant (1).
Genome position (GRCh38, 1-based): chr2:46,950,453, T>C. VCF-style: chr2-46950453-T-C. GRCh37 (hg19) VCF-style: chr2-47177592-T-C.
Other names: c.275T>C (NM_020458.2); c.275T>C, p.Leu92Pro (NM_001288951.2); c.173T>C, p.Leu58Pro (NM_001288953.2); c.-630T>C (NM_001288955.2); short protein forms L58P, L92P.
Identifiers: ClinVar variation 1395472 (VCV001395472.9), dbSNP rs1462879647, ClinGen allele CA346717298.